The following is an entry in ClinVar:

NM_022041.4(GAN):c.638A>G (p.His213Arg)

Gene: GAN (gigaxonin; plus strand). Cytogenetic location: 16q23.2.
Variant type: single nucleotide variant.
Coding change: c.638A>G on transcript NM_022041.4 (MANE Select); coding-DNA position 638, A replaced by G.
Protein change: p.His213Arg; replaces histidine 213 with arginine.
Molecular consequence: missense variant. On other transcripts: 5 prime UTR variant (1).
Genome position (GRCh38, 1-based): chr16:81,356,789, A>G. VCF-style: chr16-81356789-A-G. GRCh37 (hg19) VCF-style: chr16-81390394-A-G.
Other names: c.-2A>G (NM_001377486.1); short protein forms H213R.
Identifiers: ClinVar variation 1360571 (VCV001360571.5), dbSNP rs749117247, ClinGen allele CA8191437.

ClinVar aggregate classification (germline): Uncertain significance. Review status: criteria provided, multiple submitters, no conflicts (2 of 4 stars). 2 submissions from 2 submitters: Uncertain significance (2). Last evaluated 2022-11-17.

Conditions:
Giant axonal neuropathy 1 (GAN1). Also called: GIANT AXONAL NEUROPATHY 1, AUTOSOMAL RECESSIVE; GAN-Related Neurodegeneration. Identifiers: Orphanet 643, MedGen C1850386, MONDO:0009749, OMIM 256850.
Inborn genetic diseases. Identifiers: MedGen C0950123, MeSH D030342.

Allele frequency attached by ClinVar (database versions not stated): gnomAD exomes below 0.00001 and 0.00001; ExAC 0.00002.
gnomAD v4.1: 6 of 1,607,378 alleles (0.00037%); highest among the groups gnomAD compares: Non-Finnish European, 0.00051%; no homozygotes.

Submissions (2):

Ambry Genetics
Classification: Uncertain significance for Inborn genetic diseases. Last evaluated: 2022-11-17. Review status: criteria provided, single submitter. Criteria: Ambry Variant Classification Scheme 2023. Collection method: clinical testing. Allele origin: germline.

Labcorp Genetics (formerly Invitae), Labcorp
Classification: Uncertain significance for Giant axonal neuropathy 1. Last evaluated: 2021-10-06. Review status: criteria provided, single submitter. Criteria: Invitae Variant Classification Sherloc (09022015). Collection method: clinical testing. Allele origin: germline.
Comment: This sequence change replaces histidine with arginine at codon 213 of the GAN protein (p.His213Arg). The histidine residue is highly conserved and there is a small physicochemical difference between histidine and arginine. This variant is present in population databases (rs749117247, ExAC 0.003%). This variant has not been reported in the literature in individuals affected with GAN-related conditions. Algorithms developed to predict the effect of missense changes on protein structure and function are either unavailable or do not agree on the potential impact of this missense change (SIFT: "Deleterious"; PolyPhen-2: "Benign"; Align-GVGD: "Class C25"). In summary, the available evidence is currently insufficient to determine the role of this variant in disease. Therefore, it has been classified as a Variant of Uncertain Significance.